The following is an entry in ClinVar:

NM_003055.3(SLC18A3):c.1445G>A (p.Arg482His)

Genes: CHAT (choline O-acetyltransferase; plus strand), SLC18A3 (solute carrier family 18 member A3; plus strand). Cytogenetic location: 10q11.23.
Variant type: single nucleotide variant.
Coding change: c.1445G>A on transcript NM_003055.3 (MANE Select); coding-DNA position 1445, G replaced by A.
Protein change: p.Arg482His; replaces arginine 482 with histidine.
Molecular consequence: missense variant. On other transcripts: intron variant (1).
Genome position (GRCh38, 1-based): chr10:49,612,185, G>A. VCF-style: chr10-49612185-G-A. GRCh37 (hg19) VCF-style: chr10-50820231-G-A.
Other names: c.-69+2986G>A (NM_020984.4); short protein forms R482H.
Identifiers: ClinVar variation 1303981 (VCV001303981.9), dbSNP rs558868462, ClinGen allele CA206621586.

ClinVar aggregate classification (germline): Uncertain significance. Review status: criteria provided, multiple submitters, no conflicts (2 of 4 stars). 3 submissions from 3 submitters: Uncertain significance (3). Last evaluated 2025-07-12.

Conditions:
Inborn genetic diseases. Identifiers: MedGen C0950123, MeSH D030342.

Allele frequency attached by ClinVar (database versions not stated): gnomAD exomes below 0.00001; TOPMed below 0.00001; 1000 Genomes Project 30x 0.00031; 1000 Genomes Project 0.00020; gnomAD 0.00001.

Submissions (3):

Ambry Genetics
Classification: Uncertain significance for Inborn genetic diseases. Last evaluated: 2025-07-12. Review status: criteria provided, single submitter. Criteria: Ambry Variant Classification Scheme 2023. Collection method: clinical testing. Allele origin: germline.

Labcorp Genetics (formerly Invitae), Labcorp
Classification: Uncertain significance. Last evaluated: 2022-06-03. Review status: criteria provided, single submitter. Criteria: Invitae Variant Classification Sherloc (09022015). Collection method: clinical testing. Allele origin: germline.
Comment: This sequence change replaces arginine, which is basic and polar, with histidine, which is basic and polar, at codon 482 of the SLC18A3 protein (p.Arg482His). This variant is not present in population databases (gnomAD no frequency). This variant has not been reported in the literature in individuals affected with SLC18A3-related conditions. ClinVar contains an entry for this variant (Variation ID: 1303981). Algorithms developed to predict the effect of missense changes on protein structure and function are either unavailable or do not agree on the potential impact of this missense change (SIFT: "Deleterious"; PolyPhen-2: "Benign"; Align-GVGD: "Class C0"). In summary, the available evidence is currently insufficient to determine the role of this variant in disease. Therefore, it has been classified as a Variant of Uncertain Significance.

GeneDx
Classification: Uncertain significance. Last evaluated: 2019-12-04. Review status: criteria provided, single submitter. Criteria: GeneDx Variant Classification Process June 2021. Collection method: clinical testing. Allele origin: germline. Affected: yes.
Comment: In silico analysis, which includes protein predictors and evolutionary conservation, supports that this variant does not alter protein structure/function; Has not been previously published as pathogenic or benign to our knowledge